The following is an entry in ClinVar:

NM_005902.4(SMAD3):c.*402C>T

Gene: SMAD3 (SMAD family member 3; plus strand). Cytogenetic location: 15q22.33.
Variant type: single nucleotide variant.
Coding change: c.*402C>T on transcript NM_005902.4 (MANE Select); 402 bases downstream of the stop codon, C replaced by T.
Molecular consequence: 3 prime UTR variant.
Genome position (GRCh38, 1-based): chr15:67,190,938, C>T. VCF-style: chr15-67190938-C-T. GRCh37 (hg19) VCF-style: chr15-67483276-C-T.
Other names: c.*402C>T (NM_001145102.2, NM_001145103.2, NM_001145104.2).
Identifiers: ClinVar variation 316873 (VCV000316873.7), dbSNP rs8025774, ClinGen allele CA10642403.

ClinVar aggregate classification (germline): Benign. Review status: criteria provided, multiple submitters, no conflicts (2 of 4 stars). 2 submissions from 2 submitters: Benign (2). Last evaluated 2018-01-12.

Conditions:
Aneurysm-osteoarthritis syndrome. Also called: SMAD3-Related Loeys-Dietz Syndrome; Loeys-Dietz syndrome, type 1C; ANEURYSMS-OSTEOARTHRITIS SYNDROME; LOEYS-DIETZ SYNDROME WITH OSTEOARTHRITIS. Identifiers: Orphanet 284984, MedGen C3151087, MONDO:0013426, OMIM 613795.

Allele frequency attached by ClinVar (database versions not stated): gnomAD 0.19194 and 0.20022; TOPMed 0.20673; 1000 Genomes Project 30x 0.24625; 1000 Genomes Project 0.25160; gnomAD exomes 0.25434.
gnomAD v4.1: 65,985 of 292,476 alleles (23%); highest among the groups gnomAD compares: East Asian, 47%; 9,093 homozygotes.

Submissions (2):

Illumina Laboratory Services, Illumina
Classification: Benign for Aneurysm-osteoarthritis syndrome. Last evaluated: 2018-01-12. Review status: criteria provided, single submitter. Criteria: ICSL Variant Classification Criteria 13 December 2019. Collection method: clinical testing. Allele origin: germline.
Comment: This variant was observed in the ICSL laboratory as part of a predisposition screen in an ostensibly healthy population. It had not been previously curated by ICSL or reported in the Human Gene Mutation Database (HGMD: prior to June 1st, 2018), and was therefore a candidate for classification through an automated scoring system. Utilizing variant allele frequency, disease prevalence and penetrance estimates, and inheritance mode, an automated score was calculated to assess if this variant is too frequent to cause the disease. Based on the score and internal cut-off values, a variant classified as benign is not then subjected to further curation. The score for this variant resulted in a classification of benign for this disease.

Breakthrough Genomics
Classification: Benign. Review status: criteria provided, single submitter. Criteria: ACMG Guidelines, 2015. Collection method: not provided. Allele origin: germline. Inheritance: Autosomal dominant inheritance. Affected: yes.